The following is an entry in ClinVar:

NM_001370298.3(FGD4):c.2103G>A (p.Met701Ile)

Gene: FGD4 (FYVE, RhoGEF and PH domain containing 4; plus strand). Cytogenetic location: 12p11.21.
Variant type: single nucleotide variant.
Coding change: c.2103G>A on transcript NM_001370298.3 (MANE Select); coding-DNA position 2103, G replaced by A.
Protein change: p.Met701Ile; replaces methionine 701 with isoleucine.
Molecular consequence: missense variant.
Genome position (GRCh38, 1-based): chr12:32,625,710, G>A. VCF-style: chr12-32625710-G-A. GRCh37 (hg19) VCF-style: chr12-32778644-G-A.
Other names: c.1947G>A, p.Met649Ile (NM_001304481.2); c.948G>A, p.Met316Ile (NM_001304483.2); c.660G>A, p.Met220Ile (NM_001304484.2); c.1413G>A, p.Met471Ile (NM_001330373.2, NM_001330374.2, NM_001384130.1); c.1140G>A, p.Met380Ile (NM_001370297.1); c.2103G>A, p.Met701Ile (NM_001384126.1); c.1692G>A, p.Met564Ile (NM_001384127.1, NM_001384128.1, NM_001385118.1 and 1 more transcripts); short protein forms M220I, M649I, M380I, M471I, M564I, M316I, M701I.
Identifiers: ClinVar variation 662801 (VCV000662801.8), dbSNP rs1267580970, ClinGen allele CA384367593.

ClinVar aggregate classification (germline): Uncertain significance (1 of 4 stars; one submission).

Conditions:
Charcot-Marie-Tooth disease type 4. Also called: Charcot-Marie-Tooth, Type 4; Charcot-Marie-Tooth disease, type IV. Identifiers: Orphanet 64749, MedGen C4082197, MONDO:0018995.

Allele frequency attached by ClinVar (database versions not stated): gnomAD exomes below 0.00001; TOPMed below 0.00001.

Submission:

Labcorp Genetics (formerly Invitae), Labcorp
Classification: Uncertain significance for Charcot-Marie-Tooth disease type 4. Last evaluated: 2021-03-24. Review status: criteria provided, single submitter. Criteria: Invitae Variant Classification Sherloc (09022015). Collection method: clinical testing. Allele origin: germline.
Comment: Algorithms developed to predict the effect of missense changes on protein structure and function are either unavailable or do not agree on the potential impact of this missense change (SIFT: "Tolerated"; PolyPhen-2: "Possibly Damaging"; Align-GVGD: "Class C0"). In summary, the available evidence is currently insufficient to determine the role of this variant in disease. Therefore, it has been classified as a Variant of Uncertain Significance. This variant has not been reported in the literature in individuals with FGD4-related conditions. ClinVar contains an entry for this variant (Variation ID: 662801). This variant is not present in population databases (ExAC no frequency). This sequence change replaces methionine with isoleucine at codon 564 of the FGD4 protein (p.Met564Ile). The methionine residue is highly conserved and there is a small physicochemical difference between methionine and isoleucine.